The following is an entry in ClinVar:

NM_005219.5(DIAPH1):c.3469G>C (p.Glu1157Gln)

Gene: DIAPH1 (diaphanous related formin 1; minus strand). Cytogenetic location: 5q31.3.
Variant type: single nucleotide variant.
Coding change: c.3469G>C on transcript NM_005219.5 (MANE Select); coding-DNA position 3469, G replaced by C.
Protein change: p.Glu1157Gln; replaces glutamic acid 1157 with glutamine.
Molecular consequence: missense variant.
Genome position (GRCh38, 1-based): chr5:141,526,143, C>G on the plus strand (G>C on the coding strand, the complement: DIAPH1 is on the minus strand). VCF-style: chr5-141526143-C-G. GRCh37 (hg19) VCF-style: chr5-140905710-C-G.
Other names: c.3442G>C, p.Glu1148Gln (NM_001079812.3); c.3469G>C, p.Glu1157Gln (NM_001314007.2); short protein forms E1148Q, E1157Q.
Identifiers: ClinVar variation 4785258 (VCV004785258.1).

ClinVar aggregate classification (germline): Uncertain significance (1 of 4 stars; one submission).

Conditions:
Progressive microcephaly-seizures-cortical blindness-developmental delay syndrome. Also called: Seizures, cortical blindness, and microcephaly syndrome. Identifiers: Orphanet 477814, MedGen C5567650, MONDO:0014714, OMIM 616632.
Autosomal dominant nonsyndromic hearing loss 1. Also called: DEAFNESS, AUTOSOMAL DOMINANT 1, WITH OR WITHOUT THROMBOCYTOPENIA; KONIGSMARK SYNDROME. Identifiers: Orphanet 90635, MedGen C1852282, MONDO:0007424, OMIM 124900.

Submission:

Labcorp Genetics (formerly Invitae), Labcorp
Classification: Uncertain significance for Progressive microcephaly-seizures-cortical blindness-developmental delay syndrome; Autosomal dominant nonsyndromic hearing loss 1. Last evaluated: 2025-06-10. Review status: criteria provided, single submitter. Criteria: Invitae Variant Classification Sherloc (09022015). Collection method: clinical testing. Allele origin: germline.
Comment: This sequence change replaces glutamic acid, which is acidic and polar, with glutamine, which is neutral and polar, at codon 1157 of the DIAPH1 protein (p.Glu1157Gln). This variant is not present in population databases (gnomAD no frequency). This variant has not been reported in the literature in individuals affected with DIAPH1-related conditions. An algorithm developed to predict the effect of missense changes on protein structure and function (PolyPhen-2) suggests that this variant is likely to be disruptive. In summary, the available evidence is currently insufficient to determine the role of this variant in disease. Therefore, it has been classified as a Variant of Uncertain Significance.